The following is an entry in ClinVar:

ClinVar aggregate classification (germline): Likely pathogenic (1 of 4 stars; one submission).

Allele frequency attached by ClinVar (database versions not stated): gnomAD exomes 0.00001; TOPMed 0.00001.
gnomAD v4.1: 7 of 1,605,630 alleles (0.00044%); highest among the groups gnomAD compares: Non-Finnish European, 0.0006%; no homozygotes.

Submission:

Labcorp Genetics (formerly Invitae), Labcorp
Classification: Likely pathogenic. Last evaluated: 2022-02-25. Review status: criteria provided, single submitter. Criteria: Invitae Variant Classification Sherloc (09022015). Collection method: clinical testing. Allele origin: germline.
Comment: In summary, the currently available evidence indicates that the variant is pathogenic, but additional data are needed to prove that conclusively. Therefore, this variant has been classified as Likely Pathogenic. Algorithms developed to predict the effect of sequence changes on RNA splicing suggest that this variant may disrupt the consensus splice site. This variant has not been reported in the literature in individuals affected with MPDZ-related conditions. This variant is not present in population databases (gnomAD no frequency). This sequence change affects an acceptor splice site in intron 9 of the MPDZ gene. It is expected to disrupt RNA splicing. Variants that disrupt the donor or acceptor splice site typically lead to a loss of protein function (PMID: 16199547), and loss-of-function variants in MPDZ are known to be pathogenic (PMID: 23240096, 28556411).

Literature cited by the submitters: PubMed 16199547; PubMed 23240096; PubMed 28556411.

NM_001378778.1(MPDZ):c.1202-1G>A

Gene: MPDZ (multiple PDZ domain crumbs cell polarity complex component; minus strand). Cytogenetic location: 9p23.
Variant type: single nucleotide variant.
Coding change: c.1202-1G>A on transcript NM_001378778.1 (MANE Select); the canonical splice acceptor site of the intron before coding-DNA position 1202, G replaced by A.
Molecular consequence: splice acceptor variant.
Genome position (GRCh38, 1-based): chr9:13,216,863, C>T on the plus strand (G>A on the coding strand, the complement: MPDZ is on the minus strand). VCF-style: chr9-13216863-C-T. GRCh37 (hg19) VCF-style: chr9-13216862-C-T.
Other names: c.1202-1G>A (NM_001375425.1, NM_001375420.1, NM_001375419.1 and 14 more transcripts).
Identifiers: ClinVar variation 1929285 (VCV001929285.5), dbSNP rs928594835, ClinGen allele CA189318800.